The following is an entry in ClinVar:

NM_002471.4(MYH6):c.1944G>A (p.Thr648=)

Gene: MYH6 (myosin heavy chain 6; minus strand). Cytogenetic location: 14q11.2.
Variant type: single nucleotide variant.
Coding change: c.1944G>A on transcript NM_002471.4 (MANE Select); coding-DNA position 1944, G replaced by A.
Protein change: p.Thr648=; no amino-acid change (threonine 648 retained).
Molecular consequence: synonymous variant.
Genome position (GRCh38, 1-based): chr14:23,397,561, C>T on the plus strand (G>A on the coding strand, the complement: MYH6 is on the minus strand). VCF-style: chr14-23397561-C-T. GRCh37 (hg19) VCF-style: chr14-23866770-C-T.
Identifiers: ClinVar variation 312874 (VCV000312874.15), dbSNP rs367742240, ClinGen allele CA7115659.

ClinVar aggregate classification (germline): Likely benign. Review status: criteria provided, multiple submitters, no conflicts (2 of 4 stars). 5 submissions from 5 submitters: Likely benign (5). Last evaluated 2025-12-09.

Conditions:
Hypertrophic cardiomyopathy 14. Identifiers: MedGen C2750467, MONDO:0013197, OMIM 613251.
Cardiovascular phenotype. Identifiers: MedGen CN230736.

Allele frequency attached by ClinVar (database versions not stated): TOPMed 0.00001; gnomAD 0.00002; gnomAD exomes 0.00002 and 0.00004; ExAC 0.00004.
gnomAD v4.1: 38 of 1,614,064 alleles (0.0024%); highest among the groups gnomAD compares: East Asian, 0.02%; no homozygotes.

Submissions (5):

Labcorp Genetics (formerly Invitae), Labcorp
Classification: Likely benign for Hypertrophic cardiomyopathy 14. Last evaluated: 2025-12-09. Review status: criteria provided, single submitter. Criteria: Invitae Variant Classification Sherloc (09022015). Collection method: clinical testing. Allele origin: germline.

CeGaT Center for Human Genetics Tuebingen
Classification: Likely benign. Last evaluated: 2025-07-01. Review status: criteria provided, single submitter. Criteria: CeGaT Center For Human Genetics Tuebingen Variant Classification Criteria Version 2. Collection method: clinical testing. Allele origin: germline. Affected: yes. Observed: 1 variant allele.
Comment: MYH6: BP4, BP7

Ambry Genetics
Classification: Likely benign for Cardiovascular phenotype. Last evaluated: 2023-10-21. Review status: criteria provided, single submitter. Criteria: Ambry Variant Classification Scheme 2023. Collection method: clinical testing. Allele origin: germline.

Blueprint Genetics
Classification: Likely benign. Last evaluated: 2018-05-10. Review status: criteria provided, single submitter. Criteria: ACMG Guidelines, 2015. Collection method: clinical testing. Allele origin: germline.

GeneDx
Classification: Likely benign. Last evaluated: 2016-12-29. Review status: criteria provided, single submitter. Criteria: GeneDx Variant Classification (06012015). Collection method: clinical testing. Allele origin: germline. Affected: yes.
Comment: This variant is considered likely benign or benign based on one or more of the following criteria: it is a conservative change, it occurs at a poorly conserved position in the protein, it is predicted to be benign by multiple in silico algorithms, and/or has population frequency not consistent with disease.